The following is an entry in ClinVar:

ClinVar aggregate classification (germline): Uncertain significance (1 of 4 stars; one submission).

Submission:

Institute for Human Genetics, University Hospital Essen
Classification: Uncertain significance. Last evaluated: 2025-11-27. Review status: criteria provided, single submitter. Criteria: Submitter's publication. Collection method: clinical testing. Allele origin: inherited. Inheritance: Autosomal unknown. Affected: yes. Observed: 1 variant allele, 1 compound heterozygote.
Comment: PS4_supp, PM1, PM2_supp (criteria rationale detailed in Leitão et al. Nature Genetics 2026)

NR_199791.1(RNU2-2):n.5C>T

Genes: RNU2-2 (RNA, U2 small nuclear 2; minus strand), WDR74 (WD repeat domain 74; minus strand). Cytogenetic location: 11q12.3.
Variant type: single nucleotide variant.
Molecular consequence: non-coding transcript variant (on NR_199791.1). On other transcripts: 5 prime UTR variant (1).
Genome position: GRCh38 VCF-style: chr11-62841805-G-A. GRCh37 (hg19) VCF-style: chr11-62609277-G-A.
Other names: c.-534C>T (NM_001369451.1).
Identifiers: ClinVar variation 4540479 (VCV004540479.1).